The following is an entry in ClinVar:

NM_000123.4(ERCC5):c.848C>T (p.Ser283Phe)

Genes: BIVM-ERCC5 (BIVM-ERCC5 readthrough; plus strand), ERCC5 (ERCC excision repair 5, endonuclease; plus strand). Cytogenetic location: 13q33.1.
Variant type: single nucleotide variant.
Coding change: c.848C>T on transcript NM_000123.4 (MANE Select); coding-DNA position 848, C replaced by T.
Protein change: p.Ser283Phe; replaces serine 283 with phenylalanine.
Molecular consequence: missense variant.
Genome position (GRCh38, 1-based): chr13:102,861,682, C>T. VCF-style: chr13-102861682-C-T. GRCh37 (hg19) VCF-style: chr13-103514032-C-T.
Other names: c.2210C>T, p.Ser737Phe (NM_001204425.2); short protein forms S283F, S737F.
Identifiers: ClinVar variation 134184 (VCV000134184.1), dbSNP rs587778295, ClinGen allele CA159038.

ClinVar aggregate classification (germline): not provided (0 of 4 stars; one submission).

Allele frequency attached by ClinVar (database versions not stated): gnomAD exomes below 0.00001; TOPMed below 0.00001; gnomAD 0.00001.

Submission:

ITMI
No classification provided. Condition: AllHighlyPenetrant. Last evaluated: 2013-09-19. Review status: no classification provided. Collection method: reference population. Allele origin: germline.
Comment: Please see associated publication for description of ethnicities

Literature cited by the submitters: PubMed 24728327.